The following is an entry in ClinVar:

NM_001270.4(CHD1):c.3978+3_3978+6del

Gene: CHD1 (chromodomain helicase DNA binding protein 1; minus strand). Cytogenetic location: 5q15.
Variant type: Deletion.
Coding change: c.3978+3_3978+6del on transcript NM_001270.4 (MANE Select); bases 3 to 6 of the intron after coding-DNA position 3978, 4 bases deleted (AAGT; older notation c.3978+3_3978+6delAAGT).
Molecular consequence: splice donor variant.
Genome position (GRCh38, 1-based): chr5:98,870,681-98,870,684, ACTT deleted on the plus strand (AAGT on the coding strand, the reverse complement: CHD1 is on the minus strand); deleting any 4 consecutive bases within chr5:98,870,681-98,870,686 gives the same sequence; the c. name uses the placement nearest the transcript's 3' end. VCF-style (leftmost placement, unchanged base first): chr5-98870680-AACTT-A. GRCh37 (hg19) VCF-style: chr5-98206384-AACTT-A.
Other names: c.3978+3_3978+6del (NM_001376194.2, NM_001364113.3).
Identifiers: ClinVar variation 2412987 (VCV002412987.3), dbSNP rs2479440816, ClinGen allele CA2580073823.
Genomic context (GRCh38, chr5:98,870,680, plus strand): 5'-GGTGAAGTAAACAAAATTTACCTTACTAAAAAGTAAACTGGTCTTAGGCATGTGGGCTTT[AACTT>A]ACCGCACCAGAAAGAGCTTCTTTTTTTGCAAGATCTCTACTAAGTAATTTGATGAGGTAG-3'

ClinVar aggregate classification (germline): Uncertain significance (1 of 4 stars; one submission).

Submission:

GeneDx
Classification: Uncertain significance. Last evaluated: 2022-07-30. Review status: criteria provided, single submitter. Criteria: GeneDx Variant Classification Process June 2021. Collection method: clinical testing. Allele origin: germline. Affected: yes.
Comment: Intronic +5 splice site variant in a gene for which loss of function is not a known mechanism of disease, and both splice predictors and evolutionary conservation support a deleterious effect, although in the absence of functional evidence the actual effect of this sequence change is unknown.; Not observed at significant frequency in large population cohorts (gnomAD); Has not been previously published as pathogenic or benign to our knowledge